The following is an entry in ClinVar:

ClinVar aggregate classification (germline): Likely pathogenic (1 of 4 stars; one submission).

Conditions:
Retinitis pigmentosa 2 (RP2). Also called: Retinitis pigmentosa 2, X linked. Identifiers: Orphanet 791, MedGen C2681923, MONDO:0010723, OMIM 312600.

Submission:

3billion
Classification: Likely pathogenic for Retinitis pigmentosa 2. Last evaluated: 2024-11-07. Review status: criteria provided, single submitter. Criteria: ACMG Guidelines, 2015. Collection method: clinical testing. Allele origin: germline. Affected: yes.
Comment: The variant is not observed in the gnomAD v4.1.0 dataset. Predicted Consequence/Location: Frameshift: predicted to result in a loss or disruption of normal protein function through nonsense-mediated decay (NMD) or protein truncation. Multiple pathogenic variants are reported downstream of the variant. Therefore, this variant is classified as Likely pathogenic according to the recommendation of ACMG/AMP guideline.

NM_006915.3(RP2):c.683_684del (p.Arg228fs)

Gene: RP2 (RP2 activator of ARL3 GTPase; plus strand). Cytogenetic location: Xp11.3.
Variant type: Microsatellite.
Coding change: c.683_684del on transcript NM_006915.3 (MANE Select); coding-DNA positions 683 to 684, 2 bases deleted (GA; older notation c.683_684delGA).
Protein change: p.Arg228fs; shifts the reading frame from arginine 228.
Molecular consequence: frameshift variant.
Genome position (GRCh38, 1-based): chrX:46,854,056-46,854,057, GA deleted; deleting any 2 consecutive bases within chrX:46,854,053-46,854,057 gives the same sequence; the c. name uses the placement nearest the transcript's 3' end. VCF-style (leftmost placement, unchanged base first): chrX-46854052-CAG-C. GRCh37 (hg19) VCF-style: chrX-46713487-CAG-C.
Other names: short protein forms R228fs.
Identifiers: ClinVar variation 4292819 (VCV004292819.1).